The following is an entry in ClinVar:

ClinVar aggregate classification (germline): Uncertain significance (1 of 4 stars; one submission).

Conditions:
Hypertrophic cardiomyopathy. Also called: HYPERTROPHIC MYOCARDIOPATHY. Identifiers: Orphanet 217569, MedGen C0007194, MeSH D002312, MONDO:0005045, HP:0001639.

Allele frequency attached by ClinVar (database versions not stated): gnomAD exomes below 0.00001; gnomAD 0.00001; TOPMed 0.00001.
gnomAD v4.1: 2 of 1,613,998 alleles (0.00012%); highest among the groups gnomAD compares: Non-Finnish European, 0.00017%; no homozygotes.

Submission:

All of Us Research Program, National Institutes of Health
Classification: Uncertain significance for Hypertrophic cardiomyopathy. Last evaluated: 2023-03-09. Review status: criteria provided, single submitter. Criteria: ACMG Guidelines, 2015. Collection method: clinical testing. Allele origin: germline. Inheritance: Autosomal dominant inheritance. Observed: 1 variant allele, 1 heterozygote.
Comment: This missense variant replaces arginine with cysteine at codon 501 of the PRKAG2 protein. Computational prediction suggests that this variant may have deleterious impact on protein structure and function (internally defined REVEL score threshold >= 0.7, PMID: 27666373). To our knowledge, functional studies have not been reported for this variant. This variant has not been reported in individuals affected with PRKAG2-related disorders in the literature. This variant has not been identified in the general population by the Genome Aggregation Database (gnomAD). The available evidence is insufficient to determine the role of this variant in disease conclusively. Therefore, this variant is classified as a Variant of Uncertain Significance.

This study involves interpretation of variants in research participants for the purpose of population health screening. Participant phenotype was not available at the time of variant classification. Additional details can be found in publication PMID: 35346344, PMCID: PMC8962531

NM_016203.4(PRKAG2):c.1501C>T (p.Arg501Cys)

Gene: PRKAG2 (protein kinase AMP-activated non-catalytic subunit gamma 2; minus strand). Cytogenetic location: 7q36.1.
Variant type: single nucleotide variant.
Coding change: c.1501C>T on transcript NM_016203.4 (MANE Select); coding-DNA position 1501, C replaced by T.
Protein change: p.Arg501Cys; replaces arginine 501 with cysteine.
Molecular consequence: missense variant.
Genome position (GRCh38, 1-based): chr7:151,564,161, G>A on the plus strand (C>T on the coding strand, the complement: PRKAG2 is on the minus strand). VCF-style: chr7-151564161-G-A. GRCh37 (hg19) VCF-style: chr7-151261247-G-A.
Other names: c.1369C>T, p.Arg457Cys (NM_001040633.2, NM_001407024.1); c.1126C>T, p.Arg376Cys (NM_001304527.2, NM_001407029.1); c.778C>T, p.Arg260Cys (NM_001304531.2, NM_001407034.1, NM_001407035.1 and 1 more transcripts); c.1129C>T, p.Arg377Cys (NM_001363698.2, NM_001407028.1); c.1501C>T, p.Arg501Cys (NM_001407021.1); c.1498C>T, p.Arg500Cys (NM_001407022.1, NM_001407023.1); c.1366C>T, p.Arg456Cys (NM_001407026.1, NM_001407027.1); c.1213C>T, p.Arg405Cys (NM_001407030.1); and 6 more; short protein forms R259C, R260C, R276C, R280C, R376C, R377C, R393C, R395C.
Identifiers: ClinVar variation 3069858 (VCV003069858.1), dbSNP rs1038864554, ClinGen allele CA169165094.